The following is an entry in ClinVar:

ClinVar aggregate classification (germline): Uncertain significance (1 of 4 stars; one submission).

gnomAD v4.1: 1 of 1,612,700 alleles (0.000062%); highest among the groups gnomAD compares: Non-Finnish European, 0.000085%; no homozygotes.

Submission:

GeneDx
Classification: Uncertain significance. Last evaluated: 2026-04-23. Review status: criteria provided, single submitter. Criteria: GeneDx Variant Classification Process June 2021. Collection method: clinical testing. Allele origin: germline.
Comment: Not observed at significant frequency in large population cohorts (gnomAD); In silico analysis suggests that this missense variant does not alter protein structure/function; Has not been previously published as pathogenic or benign to our knowledge; This variant is associated with the following publications: (PMID: 21520338, 9590290, 31554319)

NM_005422.4(TECTA):c.2762G>A (p.Ser921Asn)

Genes: TBCEL-TECTA (TBCEL-TECTA readthrough; plus strand), TECTA (tectorin alpha; plus strand), LOC126861365 (P300/CBP strongly-dependent group 1 enhancer GRCh37_chr11:121000154-121001353; plus strand). Cytogenetic location: 11q23.3.
Variant type: single nucleotide variant.
Coding change: c.2762G>A on transcript NM_005422.4 (MANE Select); coding-DNA position 2762, G replaced by A.
Protein change: p.Ser921Asn; replaces serine 921 with asparagine.
Molecular consequence: missense variant.
Genome position (GRCh38, 1-based): chr11:121,130,032, G>A. VCF-style: chr11-121130032-G-A. GRCh37 (hg19) VCF-style: chr11-121000741-G-A.
Other names: c.3719G>A, p.Ser1240Asn (NM_001378761.1); short protein forms S1240N, S921N.
Identifiers: ClinVar variation 5037499 (VCV005037499.1).